The following is an entry in ClinVar:

NM_005060.4(RORC):c.905G>A (p.Arg302Gln)

Gene: RORC (RAR related orphan receptor C; minus strand). Cytogenetic location: 1q21.3.
Variant type: single nucleotide variant.
Coding change: c.905G>A on transcript NM_005060.4 (MANE Select); coding-DNA position 905, G replaced by A.
Protein change: p.Arg302Gln; replaces arginine 302 with glutamine.
Molecular consequence: missense variant.
Genome position (GRCh38, 1-based): chr1:151,814,602, C>T on the plus strand (G>A on the coding strand, the complement: RORC is on the minus strand). VCF-style: chr1-151814602-C-T. GRCh37 (hg19) VCF-style: chr1-151787078-C-T.
Other names: c.842G>A, p.Arg281Gln (NM_001001523.2); short protein forms R281Q, R302Q.
Identifiers: ClinVar variation 1010138 (VCV001010138.6), dbSNP rs758239791, ClinGen allele CA1095811.

ClinVar aggregate classification (germline): Uncertain significance (1 of 4 stars; one submission).

Conditions:
Autosomal recessive mendelian susceptibility to mycobacterial diseases due to complete RORgamma receptor deficiency. Also called: Immunodeficiency 42. Identifiers: Orphanet 477857, MedGen C5567647, MONDO:0014710, OMIM 616622.

Allele frequency attached by ClinVar (database versions not stated): gnomAD 0.00002; TOPMed 0.00002.
gnomAD v4.1: 32 of 1,612,570 alleles (0.002%); highest among the groups gnomAD compares: Middle Eastern, 0.016%; no homozygotes.

Submission:

Labcorp Genetics (formerly Invitae), Labcorp
Classification: Uncertain significance for Autosomal recessive mendelian susceptibility to mycobacterial diseases due to complete RORgamma receptor deficiency. Last evaluated: 2022-06-23. Review status: criteria provided, single submitter. Criteria: Invitae Variant Classification Sherloc (09022015). Collection method: clinical testing. Allele origin: germline.
Comment: This sequence change replaces arginine, which is basic and polar, with glutamine, which is neutral and polar, at codon 302 of the RORC protein (p.Arg302Gln). The frequency data for this variant in the population databases is considered unreliable, as metrics indicate poor data quality at this position in the gnomAD database. This variant has not been reported in the literature in individuals affected with RORC-related conditions. ClinVar contains an entry for this variant (Variation ID: 1010138). Algorithms developed to predict the effect of missense changes on protein structure and function (SIFT, PolyPhen-2, Align-GVGD) all suggest that this variant is likely to be tolerated. Algorithms developed to predict the effect of sequence changes on RNA splicing suggest that this variant may create or strengthen a splice site. In summary, the available evidence is currently insufficient to determine the role of this variant in disease. Therefore, it has been classified as a Variant of Uncertain Significance.